The following is an entry in ClinVar:

ClinVar aggregate classification (germline): Uncertain significance. Review status: criteria provided, multiple submitters, no conflicts (2 of 4 stars). 5 submissions from 5 submitters: Uncertain significance (5). Last evaluated 2024-08-06.

Conditions:
Familial thoracic aortic aneurysm and aortic dissection (TAAD). Also called: Thoracic aortic aneurysms and dissections. Identifiers: Orphanet 91387, MedGen C4707243, MONDO:0019625.
Aortic aneurysm, familial thoracic 4 (AAT4). Also called: AORTIC ANEURYSM/AORTIC DISSECTION AND PATENT DUCTUS ARTERIOSUS. Identifiers: MedGen C1851504, MONDO:0007568, OMIM 132900.
Visceral myopathy 2. Identifiers: MedGen C5543466, MONDO:0859157, OMIM 619350.
Megacystis-microcolon-intestinal hypoperistalsis syndrome 2. Identifiers: MedGen C5543476, MONDO:0025708, OMIM 619351.

Allele frequency attached by ClinVar (database versions not stated): ExAC 0.00001; gnomAD exomes 0.00001; gnomAD 0.00003 and 0.00004; TOPMed 0.00003.

Submissions (5):

All of Us Research Program, National Institutes of Health
Classification: Uncertain significance for Familial thoracic aortic aneurysm and aortic dissection. Last evaluated: 2024-08-06. Review status: criteria provided, single submitter. Criteria: ACMG Guidelines, 2015. Collection method: clinical testing. Allele origin: germline. Inheritance: Autosomal dominant inheritance. Observed: 5 variant alleles, 5 heterozygotes.
Comment: Variant of Uncertain Significance due to insufficient evidence: This missense variant replaces arginine with glutamine at codon 1447 of the MYH11 protein. Computational prediction tools and conservation analyses are inconclusive regarding the impact of this variant on the protein function. Computational splicing tools suggest that this variant may not impact RNA splicing. To our knowledge, functional assays have not been performed for this variant nor has this variant been reported in individuals affected with cardiovascular disorders in the literature. This variant has been identified in 6/277240 chromosomes in the general population by the Genome Aggregation Database (gnomAD). Available evidence is insufficient to determine the role of this variant in disease conclusively.

This study involves interpretation of variants in research participants for the purpose of population health screening. Participant phenotype was not available at the time of variant classification. Additional details can be found in publication PMID: 35346344, PMCID: PMC8962531

Labcorp Genetics (formerly Invitae), Labcorp
Classification: Uncertain significance for Aortic aneurysm, familial thoracic 4. Last evaluated: 2024-07-16. Review status: criteria provided, single submitter. Criteria: Invitae Variant Classification Sherloc (09022015). Collection method: clinical testing. Allele origin: germline.
Comment: This sequence change replaces arginine, which is basic and polar, with glutamine, which is neutral and polar, at codon 1447 of the MYH11 protein (p.Arg1447Gln). This variant is present in population databases (rs763467593, gnomAD 0.02%). This missense change has been observed in individual(s) with thoracic aortic aneurysm (Invitae). ClinVar contains an entry for this variant (Variation ID: 424387). Advanced modeling of protein sequence and biophysical properties (such as structural, functional, and spatial information, amino acid conservation, physicochemical variation, residue mobility, and thermodynamic stability) performed at Invitae indicates that this missense variant is not expected to disrupt MYH11 protein function with a negative predictive value of 95%. In summary, the available evidence is currently insufficient to determine the role of this variant in disease. Therefore, it has been classified as a Variant of Uncertain Significance.

Color Diagnostics, LLC DBA Color Health
Classification: Uncertain significance for Familial thoracic aortic aneurysm and aortic dissection. Last evaluated: 2024-06-03. Review status: criteria provided, single submitter. Criteria: ACMG Guidelines, 2015. Collection method: clinical testing. Allele origin: germline.
Comment: This missense variant replaces arginine with glutamine at codon 1447 of the MYH11 protein. Computational prediction tools indicate that this variant has a deleterious impact on protein structure and function. To our knowledge, functional studies have not been reported for this variant. This variant has not been reported in individuals affected with MYH11-related disorders in the literature. This variant has been identified in 6/282892 chromosomes in the general population by the Genome Aggregation Database (gnomAD). The available evidence is insufficient to determine the role of this variant in disease conclusively. Therefore, this variant is classified as a Variant of Uncertain Significance.

Fulgent Genetics
Classification: Uncertain significance for Aortic aneurysm, familial thoracic 4; Visceral myopathy 2; Megacystis-microcolon-intestinal hypoperistalsis syndrome 2. Last evaluated: 2021-08-20. Review status: criteria provided, single submitter. Criteria: ACMG Guidelines, 2015. Collection method: clinical testing. Allele origin: unknown.

GeneDx
Classification: Uncertain significance. Last evaluated: 2017-03-20. Review status: criteria provided, single submitter. Criteria: GeneDx Variant Classification (06012015). Collection method: clinical testing. Allele origin: germline. Affected: yes.
Comment: The R1440Q variant of uncertain significance in the MYH11 gene has not been published as pathogenic or been reported as benign to our knowledge. This variant is not observed at a significant frequency in large population cohorts (Lek et al., 2016; 1000 Genomes Consortium et al., 2015; Exome Variant Server). The R1440Q variant is a semi-conservative amino acid substitution, which may impact secondary protein structure as these residues differ in some properties. This substitution occurs at a position that is conserved across species, and in silico analysis predicts this variant is probably damaging to the protein structure/function. However, this variant lacks observation in a significant number of affected individuals, segregation data, and functional evidence, which would further clarify its pathogenicity.

NM_002474.3(MYH11):c.4319G>A (p.Arg1440Gln)

Genes: MYH11 (myosin heavy chain 11; minus strand), NDE1 (nudE neurodevelopment protein 1; plus strand). Cytogenetic location: 16p13.11.
Variant type: single nucleotide variant.
Coding change: c.4319G>A on transcript NM_002474.3 (MANE Select); coding-DNA position 4319, G replaced by A.
Protein change: p.Arg1440Gln; replaces arginine 1440 with glutamine.
Molecular consequence: missense variant.
Genome position (GRCh38, 1-based): chr16:15,724,207, C>T on the plus strand (G>A on the coding strand, the complement: MYH11 is on the minus strand). VCF-style: chr16-15724207-C-T. GRCh37 (hg19) VCF-style: chr16-15818064-C-T.
Other names: c.4340G>A, p.Arg1447Gln (NM_001040113.2, NM_001040114.2); c.4319G>A, p.Arg1440Gln (NM_022844.3); c.964C>T, p.Arg322Cys (NM_001143979.2, NM_017668.3); short protein forms R1440Q, R1447Q, R322C.
Identifiers: ClinVar variation 424387 (VCV000424387.14), dbSNP rs763467593, ClinGen allele CA7921713.